The following is an entry in ClinVar:

NM_001136157.2(OTUD5):c.623G>A (p.Arg208Gln)

Gene: OTUD5 (OTU deubiquitinase 5; minus strand). Cytogenetic location: Xp11.23.
Variant type: single nucleotide variant.
Coding change: c.623G>A on transcript NM_001136157.2 (MANE Select); coding-DNA position 623, G replaced by A.
Protein change: p.Arg208Gln; replaces arginine 208 with glutamine.
Molecular consequence: missense variant. On other transcripts: 5 prime UTR variant (1).
Genome position (GRCh38, 1-based): chrX:48,944,255, C>T on the plus strand (G>A on the coding strand, the complement: OTUD5 is on the minus strand). VCF-style: chrX-48944255-C-T. GRCh37 (hg19) VCF-style: chrX-48801516-C-T.
Other names: c.623G>A, p.Arg208Gln (NM_001136158.2, NM_017602.4); c.-29G>A (NM_001136159.2); short protein forms R208Q.
Identifiers: ClinVar variation 4626769 (VCV004626769.1).
Genomic context (GRCh38, chrX:48,944,255, plus strand): 5'-GCCCGGAAGAGACAGGCGCCATCCTCCTTCATCTGCTTGATGATGAAGCCCTTCTTGTCT[C>T]GTAGGGCCTTTTCAAACCAATGCTCCTGCTGGAGGGAAGAGGTGGGGGTCAGCAACAGGG-3'
Protein context (NP_001129629.1, residues 198-218): QQEHWFEKAL[Arg208Gln]DKKGFIIKQM

ClinVar aggregate classification (germline): Uncertain significance (1 of 4 stars; one submission).

Conditions:
Inborn genetic diseases. Identifiers: MedGen C0950123, MeSH D030342.

gnomAD v4.1: 22 of 1,203,626 alleles (0.0018%); highest among the groups gnomAD compares: Non-Finnish European, 0.0022%; no homozygotes.

Submission:

Ambry Genetics
Classification: Uncertain significance for Inborn genetic diseases. Last evaluated: 2025-11-05. Review status: criteria provided, single submitter. Criteria: Ambry Variant Classification Scheme 2023. Collection method: clinical testing. Allele origin: germline.
Comment: The c.623G>A (p.R208Q) alteration is located in exon 2 (coding exon 2) of the OTUD5 gene. This alteration results from a G to A substitution at nucleotide position 623, causing the arginine (R) at amino acid position 208 to be replaced by a glutamine (Q). Based on data from gnomAD, the A allele has an overall frequency of 0.001% (1/181028) total alleles studied. The highest observed frequency was 0.001% (1/80849) of European (non-Finnish) alleles. Based on insufficient or conflicting evidence, the clinical significance of this alteration remains unclear.